The following is an entry in ClinVar:

ClinVar aggregate classification (germline): Uncertain significance. Review status: criteria provided, single submitter (1 of 4 stars). 2 submissions from 2 submitters: Uncertain significance (1). 1 of the submissions does not count toward it. Last evaluated 2024-08-21.

Conditions:
GP1BA-related disorder. Also called: GP1BA-related condition.

gnomAD v4.1: 34 of 1,613,934 alleles (0.0021%); highest among the groups gnomAD compares: African/African-American, 0.0027%; no homozygotes.

Submissions (2):

GeneDx
Classification: Uncertain significance. Last evaluated: 2024-08-21. Review status: criteria provided, single submitter. Criteria: GeneDx Variant Classification Process June 2021. Collection method: clinical testing. Allele origin: germline. Affected: yes.
Comment: In silico analysis indicates that this missense variant does not alter protein structure/function; Has not been previously published as pathogenic or benign to our knowledge

PreventionGenetics, part of Exact Sciences
Classification: Uncertain significance for GP1BA-related condition. Last evaluated: 2024-09-10. Review status: no assertion criteria provided. Collection method: clinical testing. Allele origin: germline. Not counted in ClinVar's aggregate classification.
Comment: The GP1BA c.1802C>T variant is predicted to result in the amino acid substitution p.Ser601Leu. To our knowledge, this variant has not been reported in the literature. This variant is reported in 0.0065% of alleles in individuals of African descent in gnomAD. At this time, the clinical significance of this variant is uncertain due to the absence of conclusive functional and genetic evidence.

NM_000173.7(GP1BA):c.1802C>T (p.Ser601Leu)

Genes: GP1BA (glycoprotein Ib platelet subunit alpha; plus strand), LOC130060044 (ATAC-STARR-seq lymphoblastoid active region 11554; plus strand). Cytogenetic location: 17p13.2.
Variant type: single nucleotide variant.
Coding change: c.1802C>T on transcript NM_000173.7 (MANE Select); coding-DNA position 1802, C replaced by T.
Protein change: p.Ser601Leu; replaces serine 601 with leucine.
Molecular consequence: missense variant.
Genome position (GRCh38, 1-based): chr17:4,934,406, C>T. VCF-style: chr17-4934406-C-T. GRCh37 (hg19) VCF-style: chr17-4837701-C-T.
Other names: c.1802C>T (NM_000173.5); short protein forms S601L.
Identifiers: ClinVar variation 3353315 (VCV003353315.2).